The following is an entry in ClinVar:

NM_001035.3(RYR2):c.5294C>T (p.Ser1765Phe)

Gene: RYR2 (ryanodine receptor 2; plus strand). Cytogenetic location: 1q43.
Variant type: single nucleotide variant.
Coding change: c.5294C>T on transcript NM_001035.3 (MANE Select); coding-DNA position 5294, C replaced by T.
Protein change: p.Ser1765Phe; replaces serine 1765 with phenylalanine.
Molecular consequence: missense variant.
Genome position (GRCh38, 1-based): chr1:237,614,422, C>T. VCF-style: chr1-237614422-C-T. GRCh37 (hg19) VCF-style: chr1-237777722-C-T.
Other names: short protein forms S1765F.
Identifiers: ClinVar variation 3073610 (VCV003073610.2), dbSNP rs564806219, ClinGen allele CA086867.

ClinVar aggregate classification (germline): Uncertain significance. Review status: criteria provided, multiple submitters, no conflicts (2 of 4 stars). 2 submissions from 2 submitters: Uncertain significance (2). Last evaluated 2026-01-04.

Conditions:
Catecholaminergic polymorphic ventricular tachycardia (CVPT). Also called: Catecholamine-induced polymorphic ventricular tachycardia. Identifiers: Orphanet 3286, MedGen C5574922, MONDO:0017990.
Catecholaminergic polymorphic ventricular tachycardia 1. Also called: VENTRICULAR TACHYCARDIA, CATECHOLAMINERGIC POLYMORPHIC, 1, WITH OR WITHOUT ATRIAL DYSFUNCTION AND/OR DILATED CARDIOMYOPATHY; RYR2-Related Catecholaminergic Polymorphic Ventricular Tachycardia; VENTRICULAR TACHYCARDIA, STRESS-INDUCED POLYMORPHIC 1. Identifiers: Orphanet 3286, MedGen C1631597, MONDO:0011484, OMIM 604772.

gnomAD v4.1: 8 of 1,614,016 alleles (0.0005%); highest among the groups gnomAD compares: Non-Finnish European, 0.00042%; no homozygotes.

Submissions (2):

Labcorp Genetics (formerly Invitae), Labcorp
Classification: Uncertain significance for Catecholaminergic polymorphic ventricular tachycardia 1. Last evaluated: 2026-01-04. Review status: criteria provided, single submitter. Criteria: Invitae Variant Classification Sherloc (09022015). Collection method: clinical testing. Allele origin: germline.
Comment: This sequence change replaces serine, which is neutral and polar, with phenylalanine, which is neutral and non-polar, at codon 1765 of the RYR2 protein (p.Ser1765Phe). This variant is present in population databases (rs564806219, gnomAD 0.004%). This missense change has been observed in individual(s) with hypertrophic cardiomyopathy (PMID: 28771489). ClinVar contains an entry for this variant (Variation ID: 3073610). Invitae Evidence Modeling of protein sequence and biophysical properties (such as structural, functional, and spatial information, amino acid conservation, physicochemical variation, residue mobility, and thermodynamic stability) indicates that this missense variant is not expected to disrupt RYR2 protein function with a negative predictive value of 95%. In summary, the available evidence is currently insufficient to determine the role of this variant in disease. Therefore, it has been classified as a Variant of Uncertain Significance.

All of Us Research Program, National Institutes of Health
Classification: Uncertain significance for Catecholaminergic polymorphic ventricular tachycardia. Last evaluated: 2023-10-02. Review status: criteria provided, single submitter. Criteria: ACMG Guidelines, 2015. Collection method: clinical testing. Allele origin: germline. Inheritance: Autosomal dominant inheritance. Observed: 1 variant allele, 1 heterozygote.
Comment: This missense variant replaces serine with phenylalanine at codon 1765 of the RYR2 protein. Computational prediction suggests that this variant may not impact protein structure and function (internally defined REVEL score threshold <= 0.5, PMID: 27666373). To our knowledge, functional studies have not been reported for this variant. This variant has been reported in one individual affected with hypertrophic cardiomyopathy (PMID: 28771489). This variant has been identified in 5/248986 chromosomes in the general population by the Genome Aggregation Database (gnomAD). The available evidence is insufficient to determine the role of this variant in disease conclusively. Therefore, this variant is classified as a Variant of Uncertain Significance.

This study involves interpretation of variants in research participants for the purpose of population health screening. Participant phenotype was not available at the time of variant classification. Additional details can be found in publication PMID: 35346344, PMCID: PMC8962531

Literature cited by the submitters: PubMed 28771489 (cited by Labcorp Genetics (formerly Invitae), Labcorp and All of Us Research Program, National Institutes of Health).